The following is an entry in ClinVar:

ClinVar aggregate classification (germline): Benign (1 of 4 stars; one submission).

Conditions:
Familial cancer of breast. Also called: Hereditary breast cancer; hereditary breast carcinoma; BREAST CANCER, FAMILIAL. Identifiers: Orphanet 227535, MedGen C0346153, MONDO:0016419, OMIM 114480. Disease mechanism: loss of function.

Submission:

Myriad Genetics, Inc.
Classification: Benign for Familial cancer of breast. Last evaluated: 2025-01-21. Review status: criteria provided, single submitter. Criteria: Myriad Autosomal Dominant, Autosomal Recessive and X-Linked Classification Criteria (2023). Collection method: clinical testing. Allele origin: unknown.
Comment: This variant is considered benign. This variant is a silent/synonymous amino acid change and it is not expected to impact splicing.

NM_024675.4(PALB2):c.3192T>C (p.Tyr1064=)

Gene: PALB2 (partner and localizer of BRCA2; minus strand). Cytogenetic location: 16p12.2.
Variant type: single nucleotide variant.
Coding change: c.3192T>C on transcript NM_024675.4 (MANE Select); coding-DNA position 3192, T replaced by C.
Protein change: p.Tyr1064=; no amino-acid change (tyrosine 1064 retained).
Molecular consequence: synonymous variant. On other transcripts: intron variant (3).
Genome position (GRCh38, 1-based): chr16:23,614,013, A>G on the plus strand (T>C on the coding strand, the complement: PALB2 is on the minus strand). VCF-style: chr16-23614013-A-G. GRCh37 (hg19) VCF-style: chr16-23625334-A-G.
Other names: c.3132T>C, p.Tyr1044= (NM_001407296.1); c.3120T>C, p.Tyr1040= (NM_001407297.1); c.3030T>C, p.Tyr1010= (NM_001407298.1, NM_001407302.1); c.2913T>C, p.Tyr971= (NM_001407300.1); c.3192T>C, p.Tyr1064= (NM_001407301.1); c.2307T>C, p.Tyr769= (NM_001407304.1, NM_001407305.1, NM_001407306.1 and 2 more transcripts); c.2145T>C, p.Tyr715= (NM_001407307.1); c.1404T>C, p.Tyr468= (NM_001407312.1, NM_001407313.1); and 3 more.
Identifiers: ClinVar variation 3903797 (VCV003903797.1).